The following is an entry in ClinVar:

ClinVar aggregate classification (germline): Benign. Review status: criteria provided, multiple submitters, no conflicts (2 of 4 stars). 2 submissions from 2 submitters: Benign (2). Last evaluated 2018-06-14.

Allele frequency attached by ClinVar (database versions not stated): 1000 Genomes Project 30x 0.62742; TOPMed 0.63395; 1000 Genomes Project 0.63478; gnomAD 0.64484 and 0.65025; gnomAD exomes 0.70153.
gnomAD v4.1: 260,924 of 383,130 alleles (68%); highest among the groups gnomAD compares: South Asian, 75%; 90,589 homozygotes.

Submissions (2):

GeneDx
Classification: Benign. Last evaluated: 2018-06-14. Review status: criteria provided, single submitter. Criteria: GeneDx Variant Classification (06012015). Collection method: clinical testing. Allele origin: germline. Affected: yes.
Comment: This variant is considered likely benign or benign based on one or more of the following criteria: it is a conservative change, it occurs at a poorly conserved position in the protein, it is predicted to be benign by multiple in silico algorithms, and/or has population frequency not consistent with disease.

Breakthrough Genomics
Classification: Benign. Review status: criteria provided, single submitter. Criteria: ACMG Guidelines, 2015. Collection method: not provided. Allele origin: germline. Inheritance: Autosomal recessive inheritance. Affected: yes.

NM_005566.4(LDHA):c.419-269A>T

Gene: LDHA (lactate dehydrogenase A; plus strand). Cytogenetic location: 11p15.1.
Variant type: single nucleotide variant.
Coding change: c.419-269A>T on transcript NM_005566.4 (MANE Select); 269 bases into the intron before coding-DNA position 419, A replaced by T.
Molecular consequence: intron variant.
Genome position (GRCh38, 1-based): chr11:18,402,571, A>T. VCF-style: chr11-18402571-A-T. GRCh37 (hg19) VCF-style: chr11-18424118-A-T.
Other names: c.419-269A>T (NM_001165416.2, NM_001165415.2); c.245-269A>T (NM_001135239.2); c.506-269A>T (NM_001165414.2).
Identifiers: ClinVar variation 684191 (VCV000684191.2), dbSNP rs10832931, ClinGen allele CA15685718.